The following is an entry in ClinVar:

NM_170754.4(TNS2):c.3787A>T (p.Met1263Leu)

Gene: TNS2 (tensin 2; plus strand). Cytogenetic location: 12q13.13.
Variant type: single nucleotide variant.
Coding change: c.3787A>T on transcript NM_170754.4 (MANE Select); coding-DNA position 3787, A replaced by T.
Protein change: p.Met1263Leu; replaces methionine 1263 with leucine.
Molecular consequence: missense variant.
Genome position (GRCh38, 1-based): chr12:53,062,661, A>T. VCF-style: chr12-53062661-A-T. GRCh37 (hg19) VCF-style: chr12-53456445-A-T.
Other names: c.3787A>T, p.Met1263Leu (NM_001416202.1); c.3745A>T, p.Met1249Leu (NM_001416203.1); c.3814A>T, p.Met1272Leu (NM_001416204.1); c.3718A>T, p.Met1240Leu (NM_015319.3); c.3415A>T, p.Met1139Leu (NM_198316.2); short protein forms M1263L, M1273L, M1139L, M1240L, M1249L, M1272L.
Identifiers: ClinVar variation 2077960 (VCV002077960.6), dbSNP rs143139889, ClinGen allele CA6592995.
Genomic context (GRCh38, chr12:53,062,661, plus strand): 5'-CGGTTCTCATTGCCCTCAGATCCTCTGGAAGAGACCCCAGAGGCTCCAGTGCCCACCAAC[A>T]TGAGCACAGCGGCAGACCTCCTGCGTCAGGGTGCTGGTAGAGACTTCCCCTCCACTCCCC-3'
Protein context (NP_736610.2, residues 1253-1273): ETPEAPVPTN[Met1263Leu]STAADLLRQG

ClinVar aggregate classification (germline): Uncertain significance. Review status: criteria provided, multiple submitters, no conflicts (2 of 4 stars). 2 submissions from 2 submitters: Uncertain significance (2). Last evaluated 2025-01-10.

Allele frequency attached by ClinVar (database versions not stated): TOPMed 0.00002; ESP Exome Variant Server 0.00015; ExAC 0.00005.

Submissions (2):

Ambry Genetics
Classification: Uncertain significance. Last evaluated: 2025-01-10. Review status: criteria provided, single submitter. Criteria: Ambry Variant Classification Scheme 2023. Collection method: clinical testing. Allele origin: germline.

Labcorp Genetics (formerly Invitae), Labcorp
Classification: Uncertain significance. Last evaluated: 2022-09-27. Review status: criteria provided, single submitter. Criteria: Invitae Variant Classification Sherloc (09022015). Collection method: clinical testing. Allele origin: germline.
Comment: In summary, the available evidence is currently insufficient to determine the role of this variant in disease. Therefore, it has been classified as a Variant of Uncertain Significance. Algorithms developed to predict the effect of missense changes on protein structure and function (SIFT, PolyPhen-2, Align-GVGD) all suggest that this variant is likely to be tolerated. This variant has not been reported in the literature in individuals affected with TNS2-related conditions. This variant is present in population databases (rs143139889, gnomAD 0.009%). This sequence change replaces methionine, which is neutral and non-polar, with leucine, which is neutral and non-polar, at codon 1273 of the TNS2 protein (p.Met1273Leu).